The following is an entry in ClinVar:

ClinVar aggregate classification (germline): Uncertain significance (1 of 4 stars; one submission).

Submission:

GeneDx
Classification: Uncertain significance. Last evaluated: 2023-01-19. Review status: criteria provided, single submitter. Criteria: GeneDx Variant Classification Process June 2021. Collection method: clinical testing. Allele origin: germline. Affected: yes.
Comment: Not observed at significant frequency in large population cohorts (gnomAD); In silico analysis supports that this missense variant does not alter protein structure/function; Has not been previously published as pathogenic or benign to our knowledge; Variants in candidate genes are classified as variants of uncertain significance in accordance with ACMG guidelines (Richards et al., 2015)

NM_001079843.3(CASZ1):c.3616C>A (p.His1206Asn)

Gene: CASZ1 (castor zinc finger 1; minus strand). Cytogenetic location: 1p36.22.
Variant type: single nucleotide variant.
Coding change: c.3616C>A on transcript NM_001079843.3 (MANE Select); coding-DNA position 3616, C replaced by A.
Protein change: p.His1206Asn; replaces histidine 1206 with asparagine.
Molecular consequence: missense variant.
Genome position (GRCh38, 1-based): chr1:10,646,208, G>T on the plus strand (C>A on the coding strand, the complement: CASZ1 is on the minus strand). VCF-style: chr1-10646208-G-T. GRCh37 (hg19) VCF-style: chr1-10706265-G-T.
Other names: short protein forms H1206N.
Identifiers: ClinVar variation 3342800 (VCV003342800.1).